The following is an entry in ClinVar:

NM_006227.4(PLTP):c.807dup (p.Glu270Ter)

Gene: PLTP (phospholipid transfer protein; minus strand). Cytogenetic location: 20q13.12.
Variant type: Duplication.
Coding change: c.807dup on transcript NM_006227.4 (MANE Select); coding-DNA position 807, one base duplicated (T; older notation c.807dupT).
Protein change: p.Glu270Ter; replaces glutamic acid 270 with a stop codon.
Molecular consequence: nonsense.
Genome position (GRCh38, 1-based): chr20:45,905,017, A duplicated on the plus strand (T on the coding strand, the reverse complement: PLTP is on the minus strand). VCF-style (leftmost placement, unchanged base first): chr20-45905016-C-CA. GRCh37 (hg19) VCF-style: chr20-44533655-C-CA.
Other names: c.522dup, p.Glu175Ter (NM_001242920.2); c.543dup, p.Glu182Ter (NM_001242921.1); c.651dup, p.Glu218Ter (NM_182676.3); short protein forms E175*, E182*, E218*, E270*.
Identifiers: ClinVar variation 3622664 (VCV003622664.2).

ClinVar aggregate classification (germline): Uncertain significance (1 of 4 stars; one submission).

Submission:

Labcorp Genetics (formerly Invitae), Labcorp
Classification: Uncertain significance. Last evaluated: 2024-03-02. Review status: criteria provided, single submitter. Criteria: Invitae Variant Classification Sherloc (09022015). Collection method: clinical testing. Allele origin: germline.
Comment: This sequence change creates a premature translational stop signal (p.Glu270*) in the PLTP gene. It is expected to result in an absent or disrupted protein product. However, the current clinical and genetic evidence is not sufficient to establish whether loss-of-function variants in PLTP cause disease. This variant is present in population databases (rs759955634, gnomAD 0.002%). This variant has not been reported in the literature in individuals affected with PLTP-related conditions. In summary, the available evidence is currently insufficient to determine the role of this variant in disease. Therefore, it has been classified as a Variant of Uncertain Significance.